The following is an entry in ClinVar:

ClinVar aggregate classification (germline): Uncertain significance (1 of 4 stars; one submission).

Allele frequency attached by ClinVar (database versions not stated): TOPMed below 0.00001; gnomAD 0.00001.
gnomAD v4.1: 2 of 1,614,004 alleles (0.00012%); highest among the groups gnomAD compares: African/African-American, 0.0013%; no homozygotes.

Submission:

Labcorp Genetics (formerly Invitae), Labcorp
Classification: Uncertain significance. Last evaluated: 2024-10-30. Review status: criteria provided, single submitter. Criteria: Invitae Variant Classification Sherloc (09022015). Collection method: clinical testing. Allele origin: germline.
Comment: This sequence change replaces glycine, which is neutral and non-polar, with aspartic acid, which is acidic and polar, at codon 496 of the VCAN protein (p.Gly496Asp). This variant is not present in population databases (gnomAD no frequency). This variant has not been reported in the literature in individuals affected with VCAN-related conditions. ClinVar contains an entry for this variant (Variation ID: 3010671). An algorithm developed to predict the effect of missense changes on protein structure and function (PolyPhen-2) suggests that this variant is likely to be disruptive. In summary, the available evidence is currently insufficient to determine the role of this variant in disease. Therefore, it has been classified as a Variant of Uncertain Significance.

NM_004385.5(VCAN):c.1487G>A (p.Gly496Asp)

Gene: VCAN (versican; plus strand). Cytogenetic location: 5q14.3.
Variant type: single nucleotide variant.
Coding change: c.1487G>A on transcript NM_004385.5 (MANE Select); coding-DNA position 1487, G replaced by A.
Protein change: p.Gly496Asp; replaces glycine 496 with aspartic acid.
Molecular consequence: missense variant. On other transcripts: intron variant (2).
Genome position (GRCh38, 1-based): chr5:83,519,793, G>A. VCF-style: chr5-83519793-G-A. GRCh37 (hg19) VCF-style: chr5-82815612-G-A.
Other names: c.1487G>A, p.Gly496Asp (NM_001164098.2); c.1042+7397G>A (NM_001164097.2, NM_001126336.3); short protein forms G496D.
Identifiers: ClinVar variation 3010671 (VCV003010671.3), dbSNP rs1746008281, ClinGen allele CA360300499.